The following is an entry in ClinVar:

ClinVar aggregate classification (germline): Conflicting classifications of pathogenicity. Review status: criteria provided, conflicting classifications (1 of 4 stars). 2 submissions from 2 submitters: Likely pathogenic (1); Uncertain significance (1). Last evaluated 2026-02-11.

Conditions:
Long QT syndrome (LQTS). Identifiers: MedGen C0023976, MeSH D008133, MONDO:0002442. Disease mechanism: loss of function. Inheritance: Various modes of inheritance.
Long QT syndrome 2 (LQT2). Identifiers: Orphanet 101016, Orphanet 768, MedGen C3150943, MONDO:0013367, OMIM 613688.

Submissions (2):

Clinical Genetics Laboratory, Skane University Hospital Lund
Classification: Likely pathogenic for Long QT syndrome 2. Last evaluated: 2026-02-11. Review status: criteria provided, single submitter. Criteria: ACMG Guidelines, 2015. Collection method: clinical testing. Allele origin: germline. Affected: yes.
Comment: ACMG criteria used: PS4 moderate, PM1, PM2, PP3 and PP4 moderate.

Labcorp Genetics (formerly Invitae), Labcorp
Classification: Uncertain significance for Long QT syndrome. Last evaluated: 2023-09-06. Review status: criteria provided, single submitter. Criteria: Invitae Variant Classification Sherloc (09022015). Collection method: clinical testing. Allele origin: germline.
Comment: This sequence change replaces glycine, which is neutral and non-polar, with aspartic acid, which is acidic and polar, at codon 603 of the KCNH2 protein (p.Gly603Asp). This variant is not present in population databases (gnomAD no frequency). This missense change has been observed in individual(s) with long QT syndrome (PMID: 26669661). ClinVar contains an entry for this variant (Variation ID: 456894). An algorithm developed to predict the effect of missense changes on protein structure and function (PolyPhen-2) suggests that this variant is likely to be disruptive. In summary, the available evidence is currently insufficient to determine the role of this variant in disease. Therefore, it has been classified as a Variant of Uncertain Significance.

Literature cited by the submitters: PubMed 26669661 (cited by Labcorp Genetics (formerly Invitae), Labcorp).

NM_000238.4(KCNH2):c.1808G>A (p.Gly603Asp)

Gene: KCNH2 (potassium voltage-gated channel subfamily H member 2; minus strand). Cytogenetic location: 7q36.1.
Variant type: single nucleotide variant.
Coding change: c.1808G>A on transcript NM_000238.4 (MANE Select); coding-DNA position 1808, G replaced by A.
Protein change: p.Gly603Asp; replaces glycine 603 with aspartic acid.
Molecular consequence: missense variant.
Genome position (GRCh38, 1-based): chr7:150,951,585, C>T on the plus strand (G>A on the coding strand, the complement: KCNH2 is on the minus strand). VCF-style: chr7-150951585-C-T. GRCh37 (hg19) VCF-style: chr7-150648673-C-T.
Other names: c.788G>A, p.Gly263Asp (NM_001204798.2, NM_172057.3); c.1520G>A, p.Gly507Asp (NM_001406753.1, NM_001406756.1); c.1631G>A, p.Gly544Asp (NM_001406755.1); c.1508G>A, p.Gly503Asp (NM_001406757.1); c.1808G>A, p.Gly603Asp (NM_172056.3); short protein forms G263D, G603D, G544D, G503D, G507D.
Identifiers: ClinVar variation 456894 (VCV000456894.12), dbSNP rs1554425806, ClinGen allele CA369858030.